The following is an entry in ClinVar:

NM_015158.5(KANK1):c.3649G>A (p.Val1217Met)

Gene: KANK1 (KN motif and ankyrin repeat domains 1; plus strand). Cytogenetic location: 9p24.3.
Variant type: single nucleotide variant.
Coding change: c.3649G>A on transcript NM_015158.5 (MANE Select); coding-DNA position 3649, G replaced by A.
Protein change: p.Val1217Met; replaces valine 1217 with methionine.
Molecular consequence: missense variant. On other transcripts: non-coding transcript variant (1).
Genome position (GRCh38, 1-based): chr9:740,887, G>A. VCF-style: chr9-740887-G-A. GRCh37 (hg19) VCF-style: chr9-740887-G-A.
Other names: c.3175G>A, p.Val1059Met (NM_001354333.2, NM_001354337.2, NM_001354341.2 and 2 more transcripts); c.3121G>A, p.Val1041Met (NM_001354344.2, NM_001354338.2, NM_001354340.2); c.2881G>A, p.Val961Met (NM_001354336.2); c.2935G>A, p.Val979Met (NM_001354339.2, NM_001354342.2, NM_001354343.2); c.3649G>A, p.Val1217Met (NM_001354334.2, NM_001256876.3, NM_001256877.3); c.3409G>A, p.Val1137Met (NM_001354331.2); c.3595G>A, p.Val1199Met (NM_001354332.2); short protein forms V1041M, V1199M, V961M, V1137M, V1217M, V1059M, V979M.
Identifiers: ClinVar variation 2982835 (VCV002982835.3), dbSNP rs1178219183, ClinGen allele CA372761226.

ClinVar aggregate classification (germline): Uncertain significance (1 of 4 stars; one submission).

Allele frequency attached by ClinVar (database versions not stated): TOPMed below 0.00001.
gnomAD v4.1: 3 of 1,614,168 alleles (0.00019%); highest among the groups gnomAD compares: East Asian, 0.0067%; no homozygotes.

Submission:

Labcorp Genetics (formerly Invitae), Labcorp
Classification: Uncertain significance. Last evaluated: 2023-11-10. Review status: criteria provided, single submitter. Criteria: Invitae Variant Classification Sherloc (09022015). Collection method: clinical testing. Allele origin: germline.
Comment: This sequence change replaces valine, which is neutral and non-polar, with methionine, which is neutral and non-polar, at codon 1217 of the KANK1 protein (p.Val1217Met). This variant is not present in population databases (gnomAD no frequency). This variant has not been reported in the literature in individuals affected with KANK1-related conditions. Advanced modeling of protein sequence and biophysical properties (such as structural, functional, and spatial information, amino acid conservation, physicochemical variation, residue mobility, and thermodynamic stability) performed at Invitae indicates that this missense variant is expected to disrupt KANK1 protein function with a positive predictive value of 80%. In summary, the available evidence is currently insufficient to determine the role of this variant in disease. Therefore, it has been classified as a Variant of Uncertain Significance.